The following is an entry in ClinVar:

NC_000023.11:g.(?_31836708)_(31932237_?)del

Gene: DMD (dystrophin; minus strand). Cytogenetic location: Xp21.1.
Variant type: Deletion.
Identifiers: ClinVar variation 833041 (VCV000833041.2).

ClinVar aggregate classification (germline): Pathogenic (1 of 4 stars; one submission).

Conditions:
Duchenne muscular dystrophy (DMD). Also called: Duchenne Muscular Dystrophy (DMD); MUSCULAR DYSTROPHY, PSEUDOHYPERTROPHIC PROGRESSIVE, DUCHENNE TYPE. Identifiers: Orphanet 98896, MedGen C0013264, MONDO:0010679, OMIM 310200.

Submission:

Labcorp Genetics (formerly Invitae), Labcorp
Classification: Pathogenic for Duchenne muscular dystrophy. Last evaluated: 2022-11-02. Review status: criteria provided, single submitter. Criteria: Invitae Variant Classification Sherloc (09022015). Collection method: clinical testing. Allele origin: germline.
Comment: This variant is a gross deletion of the genomic region encompassing exon(s) 46-49 of the DMD gene. This deletion is out-of-frame, and is expected to create a premature termination codon and result in an absent or disrupted protein product. Loss-of-function variants in DMD are known to be pathogenic (PMID: 16770791, 25007885). A similar copy number variant has been observed in individual(s) with Duchenne Muscular Dystrophy (PMID: 9007319, 31081998). For these reasons, this variant has been classified as Pathogenic.

Literature cited by the submitters: PubMed 16770791; PubMed 25007885; PubMed 9007319; PubMed 31081998.